The following is an entry in ClinVar:

NM_025179.4(PLXNA2):c.2641G>A (p.Val881Met)

Gene: PLXNA2 (plexin A2; minus strand). Cytogenetic location: 1q32.2.
Variant type: single nucleotide variant.
Coding change: c.2641G>A on transcript NM_025179.4 (MANE Select); coding-DNA position 2641, G replaced by A.
Protein change: p.Val881Met; replaces valine 881 with methionine.
Molecular consequence: missense variant.
Genome position (GRCh38, 1-based): chr1:208,060,783, C>T on the plus strand (G>A on the coding strand, the complement: PLXNA2 is on the minus strand). VCF-style: chr1-208060783-C-T. GRCh37 (hg19) VCF-style: chr1-208234128-C-T.
Other names: short protein forms V881M.
Identifiers: ClinVar variation 1442202 (VCV001442202.8), dbSNP rs200059023, ClinGen allele CA1373444.

ClinVar aggregate classification (germline): Uncertain significance (1 of 4 stars; one submission).

Allele frequency attached by ClinVar (database versions not stated): gnomAD 0.00002; ESP Exome Variant Server 0.00008; gnomAD exomes 0.00008; 1000 Genomes Project 30x 0.00141; 1000 Genomes Project 0.00180.
gnomAD v4.1: 95 of 1,614,124 alleles (0.0059%); highest among the groups gnomAD compares: South Asian, 0.068%; 1 homozygote.

Submission:

Labcorp Genetics (formerly Invitae), Labcorp
Classification: Uncertain significance. Last evaluated: 2025-12-08. Review status: criteria provided, single submitter. Criteria: Invitae Variant Classification Sherloc (09022015). Collection method: clinical testing. Allele origin: germline.
Comment: This sequence change replaces valine, which is neutral and non-polar, with methionine, which is neutral and non-polar, at codon 881 of the PLXNA2 protein (p.Val881Met). This variant is present in population databases (rs200059023, gnomAD 0.06%), and has an allele count higher than expected for a pathogenic variant. This variant has not been reported in the literature in individuals affected with PLXNA2-related conditions. ClinVar contains an entry for this variant (Variation ID: 1442202). Invitae Evidence Modeling of protein sequence and biophysical properties (such as structural, functional, and spatial information, amino acid conservation, physicochemical variation, residue mobility, and thermodynamic stability) indicates that this missense variant is not expected to disrupt PLXNA2 protein function with a negative predictive value of 80%. In summary, the available evidence is currently insufficient to determine the role of this variant in disease. Therefore, it has been classified as a Variant of Uncertain Significance.